The following is an entry in ClinVar:

ClinVar aggregate classification (germline): Uncertain significance (1 of 4 stars; one submission).

Conditions:
Congenital myopathy with internal nuclei and atypical cores. Also called: Myopathy, centronuclear, 4. Identifiers: Orphanet 319160, MedGen C4707232, MONDO:0013890, OMIM 614807.

Allele frequency attached by ClinVar (database versions not stated): ExAC 0.00001; gnomAD 0.00001; gnomAD exomes 0.00001.
gnomAD v4.1: 2 of 1,612,556 alleles (0.00012%); highest among the groups gnomAD compares: African/African-American, 0.0027%; no homozygotes.

Submission:

Labcorp Genetics (formerly Invitae), Labcorp
Classification: Uncertain significance for Congenital myopathy with internal nuclei and atypical cores. Last evaluated: 2022-06-20. Review status: criteria provided, single submitter. Criteria: Invitae Variant Classification Sherloc (09022015). Collection method: clinical testing. Allele origin: germline.
Comment: ClinVar contains an entry for this variant (Variation ID: 1002905). In summary, the available evidence is currently insufficient to determine the role of this variant in disease. Therefore, it has been classified as a Variant of Uncertain Significance. Variants that disrupt the consensus splice site are a relatively common cause of aberrant splicing (PMID: 17576681, 9536098). Algorithms developed to predict the effect of sequence changes on RNA splicing suggest that this variant may disrupt the consensus splice site. This variant has not been reported in the literature in individuals affected with CCDC78-related conditions. This variant is present in population databases (rs764699064, gnomAD 0.01%). This sequence change falls in intron 13 of the CCDC78 gene. It does not directly change the encoded amino acid sequence of the CCDC78 protein. It affects a nucleotide within the consensus splice site.

Literature cited by the submitters: PubMed 17576681; PubMed 9536098.

NM_001378030.1(CCDC78):c.1302-1G>C

Gene: CCDC78 (coiled-coil domain containing 78; minus strand). Cytogenetic location: 16p13.3.
Variant type: single nucleotide variant.
Coding change: c.1302-1G>C on transcript NM_001378030.1 (MANE Select); the canonical splice acceptor site of the intron before coding-DNA position 1302, G replaced by C.
Molecular consequence: splice acceptor variant.
Genome position (GRCh38, 1-based): chr16:722,790, C>G on the plus strand (G>C on the coding strand, the complement: CCDC78 is on the minus strand). VCF-style: chr16-722790-C-G. GRCh37 (hg19) VCF-style: chr16-772790-C-G.
Other names: c.735-1G>C (NM_001378033.1); c.1122-1G>C (NM_001378031.1); c.1298-1G>C (NM_001031737.3).
Identifiers: ClinVar variation 1002905 (VCV001002905.7), dbSNP rs764699064, ClinGen allele CA7789058.
Genomic context (GRCh38, chr16:722,790, plus strand): 5'-ACTTTCCAGGGGTCCCCTGCACCTGCCAGCTTCCTCAGCCTCAGGATTTCGTGCTTGTAC[C>G]TGCTCAGAGGAACCATGCTTAAGTGACTTGCCCAGCTGTGGACAGGTCTGCTTTTAGCGC-3'